The following is an entry in ClinVar:

NM_001276270.2(MBD4):c.756G>T (p.Lys252Asn)

Gene: MBD4 (methyl-CpG binding domain 4, DNA glycosylase; minus strand). Cytogenetic location: 3q21.3.
Variant type: single nucleotide variant.
Coding change: c.756G>T on transcript NM_001276270.2 (MANE Select); coding-DNA position 756, G replaced by T.
Protein change: p.Lys252Asn; replaces lysine 252 with asparagine.
Molecular consequence: missense variant. On other transcripts: intron variant (1).
Genome position (GRCh38, 1-based): chr3:129,436,888, C>A on the plus strand (G>T on the coding strand, the complement: MBD4 is on the minus strand). VCF-style: chr3-129436888-C-A. GRCh37 (hg19) VCF-style: chr3-129155731-C-A.
Other names: c.756G>T, p.Lys252Asn (NM_001276271.2, NM_001276272.2, NM_003925.3); c.247+920G>T (NM_001276273.2); short protein forms K252N.
Identifiers: ClinVar variation 3870862 (VCV003870862.1).

ClinVar aggregate classification (germline): Uncertain significance (1 of 4 stars; one submission).

Conditions:
Inborn genetic diseases. Identifiers: MedGen C0950123, MeSH D030342.

gnomAD v4.1: 1 of 1,614,134 alleles (0.000062%); highest among the groups gnomAD compares: South Asian, 0.0011%; no homozygotes.

Submission:

Ambry Genetics
Classification: Uncertain significance for Inborn genetic diseases. Last evaluated: 2024-12-16. Review status: criteria provided, single submitter. Criteria: Ambry Variant Classification Scheme 2023. Collection method: clinical testing. Allele origin: germline.
Comment: The p.K252N variant (also known as c.756G>T), located in coding exon 3 of the MBD4 gene, results from a G to T substitution at nucleotide position 756. The lysine at codon 252 is replaced by asparagine, an amino acid with similar properties. This amino acid position is conserved. In addition, this alteration is predicted to be tolerated by in silico analysis. Based on the available evidence, the clinical significance of this variant remains unclear.